The following is an entry in ClinVar:

NM_001079872.2(CUL4B):c.2161-5_2161-4delinsTG

Gene: CUL4B (cullin 4B; minus strand). Cytogenetic location: Xq24.
Variant type: Indel.
Coding change: c.2161-5_2161-4delinsTG on transcript NM_001079872.2 (MANE Select); 5 bases into the intron before coding-DNA position 2161 through 4 bases into the intron before coding-DNA position 2161, AA replaced by TG.
Molecular consequence: intron variant.
Genome position (GRCh38, 1-based): chrX:120,534,590-120,534,591, TT replaced by CA on the plus strand (AA replaced by TG on the coding strand, the reverse complement: CUL4B is on the minus strand). VCF-style: chrX-120534590-TT-CA. GRCh37 (hg19) VCF-style: chrX-119668445-TT-CA.
Other names: c.2215-5_2215-4delinsTG (NM_003588.4); c.2176-5_2176-4delinsTG (NM_001330624.2); c.1627-5_1627-4delinsTG (NM_001369145.1).
Identifiers: ClinVar variation 3617901 (VCV003617901.2).

ClinVar aggregate classification (germline): Uncertain significance (1 of 4 stars; one submission).

Conditions:
X-linked intellectual disability Cabezas type (MRXSC). Also called: Intellectual developmental disorder, X-linked syndromic, Cabezas type; CABEZAS SYNDROME; MENTAL RETARDATION, X-LINKED, SYNDROMIC 15. Identifiers: Orphanet 85289, Orphanet 85293, MedGen C1845861, MONDO:0010306, OMIM 300354.

Submission:

Labcorp Genetics (formerly Invitae), Labcorp
Classification: Uncertain significance for X-linked intellectual disability Cabezas type. Last evaluated: 2024-05-29. Review status: criteria provided, single submitter. Criteria: Invitae Variant Classification Sherloc (09022015). Collection method: clinical testing. Allele origin: germline.
Comment: This sequence change falls in intron 18 of the CUL4B gene. It does not directly change the encoded amino acid sequence of the CUL4B protein. Information on the frequency of this variant in the gnomAD database is not available, as this variant may be reported differently in the database. This variant has not been reported in the literature in individuals affected with CUL4B-related conditions. Experimental studies and prediction algorithms are not available or were not evaluated, and the functional significance of this variant is currently unknown. In summary, the available evidence is currently insufficient to determine the role of this variant in disease. Therefore, it has been classified as a Variant of Uncertain Significance.